The following is an entry in ClinVar:

ClinVar aggregate classification (germline): Uncertain significance (1 of 4 stars; one submission).

Conditions:
PURA-related severe neonatal hypotonia-seizures-encephalopathy syndrome (NEDRIHF). Also called: PURA-Related Neurodevelopmental Disorders; NEURODEVELOPMENTAL DISORDER WITH NEONATAL RESPIRATORY INSUFFICIENCY, HYPOTONIA, AND FEEDING DIFFICULTIES. Identifiers: Orphanet 438213, Orphanet 438216, MedGen C4015357, MONDO:1060108, OMIM 616158, MONDO:0018580.

Submission:

Labcorp Genetics (formerly Invitae), Labcorp
Classification: Uncertain significance for PURA-related severe neonatal hypotonia-seizures-encephalopathy syndrome. Last evaluated: 2025-11-27. Review status: criteria provided, single submitter. Criteria: Invitae Variant Classification Sherloc (09022015). Collection method: clinical testing. Allele origin: germline.
Comment: This sequence change affects codon 312 of the PURA mRNA. It is a 'silent' change, meaning that it does not change the encoded amino acid sequence of the PURA protein. This variant is not present in population databases (gnomAD no frequency). This variant has not been reported in the literature in individuals affected with PURA-related conditions. In summary, the available evidence is currently insufficient to determine the role of this variant in disease. Therefore, it has been classified as a Variant of Uncertain Significance.

NM_005859.5(PURA):c.934C>T (p.Leu312=)

Gene: PURA (purine rich element binding protein A; plus strand). Cytogenetic location: 5q31.3.
Variant type: single nucleotide variant.
Coding change: c.934C>T on transcript NM_005859.5 (MANE Select); coding-DNA position 934, C replaced by T.
Protein change: p.Leu312=; no amino-acid change (leucine 312 retained).
Molecular consequence: synonymous variant.
Genome position (GRCh38, 1-based): chr5:140,115,115, C>T. VCF-style: chr5-140115115-C-T. GRCh37 (hg19) VCF-style: chr5-139494700-C-T.
Identifiers: ClinVar variation 4732113 (VCV004732113.1).